The following is an entry in ClinVar:

NM_000075.4(CDK4):c.890del (p.Lys297fs)

Genes: CDK4 (cyclin dependent kinase 4; minus strand), TSPAN31 (tetraspanin 31; plus strand). Cytogenetic location: 12q14.1.
Variant type: Deletion.
Coding change: c.890del on transcript NM_000075.4 (MANE Select); coding-DNA position 890, one base deleted (A; older notation c.890delA).
Protein change: p.Lys297fs; shifts the reading frame from lysine 297.
Molecular consequence: frameshift variant. On other transcripts: 3 prime UTR variant (3).
Genome position (GRCh38, 1-based): chr12:57,748,547, T deleted on the plus strand (A on the coding strand, the reverse complement: CDK4 is on the minus strand); the first of 2 consecutive T bases (chr12:57,748,547-57,748,548); deleting either gives the same sequence. VCF-style (leftmost placement, unchanged base first): chr12-57748546-CT-C. GRCh37 (hg19) VCF-style: chr12-58142329-CT-C.
Other names: c.*1258del (NM_001330168.2, NM_001330169.2, NM_005981.5); c.890delA (NM_000075.3); short protein forms K297fs.
Identifiers: ClinVar variation 1059743 (VCV001059743.8), dbSNP rs2140381025, ClinGen allele CA2499221776.

ClinVar aggregate classification (germline): Uncertain significance. Review status: criteria provided, multiple submitters, no conflicts (2 of 4 stars). 2 submissions from 2 submitters: Uncertain significance (2). Last evaluated 2026-07-29.

Conditions:
Hereditary cancer-predisposing syndrome. Also called: Tumor predisposition; Hereditary Cancer Syndrome; Hereditary neoplastic syndrome; Neoplastic Syndromes, Hereditary. Identifiers: Orphanet 140162, MedGen C0027672, MeSH D009386, MONDO:0015356.
Familial melanoma. Also called: Hereditary melanoma; Hereditary cutaneous melanoma. Identifiers: Orphanet 618, MedGen C1512419, MONDO:0018961.

Submissions (2):

Ambry Genetics
Classification: Uncertain significance for Hereditary cancer-predisposing syndrome. Last evaluated: 2026-07-29. Review status: criteria provided, single submitter. Criteria: Ambry Variant Classification Scheme 2023. Collection method: clinical testing. Allele origin: germline.
Comment: The c.890delA variant, located in coding exon 7 of the CDK4 gene, results from a deletion of one nucleotide at nucleotide position 890, causing a translational frameshift with a predicted alternate stop codon (p.K297Rfs*27). This variant occurs at the 3' terminus of the gene, is not expected to trigger nonsense-mediated mRNAdecay and results in the elongation of the protein by 19 amino acids. This frameshift impacts the last 2.3% amino acids of the native protein. The exact functional effect of the altered amino acids is unknown. Based on the available evidence, the clinical significance of this variant remains unclear.

Labcorp Genetics (formerly Invitae), Labcorp
Classification: Uncertain significance for Familial melanoma. Last evaluated: 2020-09-15. Review status: criteria provided, single submitter. Criteria: Invitae Variant Classification Sherloc (09022015). Collection method: clinical testing. Allele origin: germline.
Comment: In summary, the available evidence is currently insufficient to determine the role of this variant in disease. Therefore, it has been classified as a Variant of Uncertain Significance. Experimental studies and prediction algorithms are not available or were not evaluated, and the functional significance of this variant is currently unknown. This variant has not been reported in the literature in individuals with CDK4-related conditions. This variant is not present in population databases (ExAC no frequency). This sequence change results in a frameshift in the CDK4 gene (p.Lys297Argfs*27). While this is not anticipated to result in nonsense mediated decay, it is expected to disrupt the last 7 amino acids of the CDK4 protein and extend the protein by an additional 20 amino acids.